The following is an entry in ClinVar:

NM_194248.3(OTOF):c.251T>C (p.Val84Ala)

Gene: OTOF (otoferlin; minus strand). Cytogenetic location: 2p23.3.
Variant type: single nucleotide variant.
Coding change: c.251T>C on transcript NM_194248.3 (MANE Select); coding-DNA position 251, T replaced by C.
Protein change: p.Val84Ala; replaces valine 84 with alanine.
Molecular consequence: missense variant.
Genome position (GRCh38, 1-based): chr2:26,519,086, A>G on the plus strand (T>C on the coding strand, the complement: OTOF is on the minus strand). VCF-style: chr2-26519086-A-G. GRCh37 (hg19) VCF-style: chr2-26741954-A-G.
Other names: c.251T>C, p.Val84Ala (NM_001287489.2); short protein forms V84A.
Identifiers: ClinVar variation 179742 (VCV000179742.9), dbSNP rs727505096, ClinGen allele CA185050.

ClinVar aggregate classification (germline): Conflicting classifications of pathogenicity. Review status: criteria provided, conflicting classifications (1 of 4 stars). 2 submissions from 2 submitters: Uncertain significance (1); Likely benign (1). Last evaluated 2024-03-06.

Allele frequency attached by ClinVar (database versions not stated): TOPMed below 0.00001; gnomAD 0.00001; gnomAD exomes 0.00001.
gnomAD v4.1: 6 of 1,604,646 alleles (0.00037%); highest among the groups gnomAD compares: Middle Eastern, 0.016%; no homozygotes.

Submissions (2):

Labcorp Genetics (formerly Invitae), Labcorp
Classification: Likely benign. Last evaluated: 2024-03-06. Review status: criteria provided, single submitter. Criteria: Invitae Variant Classification Sherloc (09022015). Collection method: clinical testing. Allele origin: germline.

Laboratory for Molecular Medicine, Mass General Brigham Personalized Medicine
Classification: Uncertain significance. Last evaluated: 2014-06-05. Review status: criteria provided, single submitter. Criteria: LMM Criteria. Collection method: clinical testing. Allele origin: germline. Observed: 1 variant allele.
Comment: The Val84Ala variant in OTOF has not been previously reported in individuals wit h hearing loss and was absent from large population studies. Computational predi ction tools and conservation analyses suggest that the Val84Ala variant may impa ct the protein, though this information is not predictive enough to determine pa thogenicity. In summary, the clinical significance of the Val84Ala variant is un certain.